The following is an entry in ClinVar:

ClinVar aggregate classification (germline): Likely pathogenic. Review status: criteria provided, single submitter (1 of 4 stars). 2 submissions from 2 submitters: Likely pathogenic (1). 1 of the submissions does not count toward it. Last evaluated 2023-04-28.

Conditions:
DNAH11-related disorder. Also called: DNAH11-related condition.
Primary ciliary dyskinesia. Also called: Ciliary dyskinesia. Identifiers: Orphanet 244, MedGen C0008780, MONDO:0016575, HP:0012265.

Submissions (3):

Labcorp Genetics (formerly Invitae), Labcorp
Classification: Likely pathogenic for Primary ciliary dyskinesia. Last evaluated: 2023-04-28. Review status: criteria provided, single submitter. Criteria: Invitae Variant Classification Sherloc (09022015). Collection method: clinical testing. Allele origin: germline.
Comment: This variant is not present in population databases (gnomAD no frequency). This sequence change affects an acceptor splice site in intron 66 of the DNAH11 gene. It is expected to disrupt RNA splicing. Variants that disrupt the donor or acceptor splice site typically lead to a loss of protein function (PMID: 16199547), and loss-of-function variants in DNAH11 are known to be pathogenic (PMID: 18022865, 20513915, 22184204). This variant has not been reported in the literature in individuals affected with DNAH11-related conditions. In summary, the currently available evidence indicates that the variant is pathogenic, but additional data are needed to prove that conclusively. Therefore, this variant has been classified as Likely Pathogenic. Algorithms developed to predict the effect of sequence changes on RNA splicing suggest that this variant may disrupt the consensus splice site.

PreventionGenetics, part of Exact Sciences
Classification: Likely pathogenic for DNAH11-related condition. Last evaluated: 2024-03-26. Review status: no assertion criteria provided. Collection method: clinical testing. Allele origin: germline. Not counted in ClinVar's aggregate classification.
Comment: The DNAH11 c.10897-2A>T variant is predicted to disrupt the AG splice acceptor site and interfere with normal splicing. To our knowledge, this variant has not been reported in the literature or in a large population database, indicating this variant is rare. Variants that disrupt the consensus splice acceptor site in DNAH11 are expected to be pathogenic. This variant is interpreted as likely pathogenic.

Dr. Peter K. Rogan Lab, Western University
No classification provided (evidence only). Condition: Glioma susceptibility 1. Review status: no classification provided. Collection method: in vitro. Allele origin: not applicable. Functional consequence: retained intron. Not counted in ClinVar's aggregate classification.

Literature cited by the submitters: PubMed 16199547 (cited by Labcorp Genetics (formerly Invitae), Labcorp); PubMed 18022865 (cited by Labcorp Genetics (formerly Invitae), Labcorp); PubMed 20513915 (cited by Labcorp Genetics (formerly Invitae), Labcorp); PubMed 22184204 (cited by Labcorp Genetics (formerly Invitae), Labcorp).

NM_001277115.2(DNAH11):c.10897-2A>T

Gene: DNAH11 (dynein axonemal heavy chain 11; plus strand). Cytogenetic location: 7p15.3.
Variant type: single nucleotide variant.
Coding change: c.10897-2A>T on transcript NM_001277115.2 (MANE Select); the canonical splice acceptor site of the intron before coding-DNA position 10897, A replaced by T.
Molecular consequence: splice acceptor variant.
Genome position (GRCh38, 1-based): chr7:21,852,465, A>T. VCF-style: chr7-21852465-A-T. GRCh37 (hg19) VCF-style: chr7-21892083-A-T.
Other names: c.10897-2A>T (NM_001277115.1).
Identifiers: ClinVar variation 2860120 (VCV002860120.5), dbSNP rs2535463696, ClinGen allele CA366958706.